The following is an entry in ClinVar:

NM_006876.3(B4GAT1):c.460G>T (p.Ala154Ser)

Gene: B4GAT1 (beta-1,4-glucuronyltransferase 1; minus strand). Cytogenetic location: 11q13.2.
Variant type: single nucleotide variant.
Coding change: c.460G>T on transcript NM_006876.3 (MANE Select); coding-DNA position 460, G replaced by T.
Protein change: p.Ala154Ser; replaces alanine 154 with serine.
Molecular consequence: missense variant.
Genome position (GRCh38, 1-based): chr11:66,347,086, C>A on the plus strand (G>T on the coding strand, the complement: B4GAT1 is on the minus strand). VCF-style: chr11-66347086-C-A. GRCh37 (hg19) VCF-style: chr11-66114557-C-A.
Other names: short protein forms A154S.
Identifiers: ClinVar variation 474250 (VCV000474250.2), dbSNP rs1555016589, ClinGen allele CA381418343.
Genomic context (GRCh38, chr11:66,347,086, plus strand): 5'-CCGGCTCCCGGGGGTCGGGCACGGCTGCCTCGTAACGCGAGGGGCACACGAGGTGCATGG[C>A]GACCCTGGCGCGCATGTCGGGGCAGTGGCTGCTCAGCGCGTAGGCCAGCACCGTGGCCAG-3'
Protein context (NP_006867.1, residues 144-164): SHCPDMRARV[Ala154Ser]MHLVCPSRYE

ClinVar aggregate classification (germline): Uncertain significance. Review status: criteria provided, multiple submitters, no conflicts (2 of 4 stars). 2 submissions from 2 submitters: Uncertain significance (2). Last evaluated 2025-08-09.

Conditions:
Muscular dystrophy-dystroglycanopathy (congenital with brain and eye anomalies), type A13. Also called: WALKER-WARBURG SYNDROME OR MUSCLE-EYE-BRAIN DISEASE, B3GNT1-RELATED; Muscular dystrophy-dystroglycanopathy (congenital with brain and eye anomalies), type a, 13. Identifiers: Orphanet 899, MedGen C3809042, MONDO:0014120, OMIM 615287.
Inborn genetic diseases. Identifiers: MedGen C0950123, MeSH D030342.

Submissions (2):

Ambry Genetics
Classification: Uncertain significance for Inborn genetic diseases. Last evaluated: 2025-08-09. Review status: criteria provided, single submitter. Criteria: Ambry Variant Classification Scheme 2023. Collection method: clinical testing. Allele origin: germline.

Labcorp Genetics (formerly Invitae), Labcorp
Classification: Uncertain significance for Muscular dystrophy-dystroglycanopathy (congenital with brain and eye anomalies), type A13. Last evaluated: 2017-06-27. Review status: criteria provided, single submitter. Criteria: Invitae Variant Classification Sherloc (09022015). Collection method: clinical testing. Allele origin: germline.
Comment: This sequence change replaces alanine with serine at codon 154 of the B4GAT1 protein (p.Ala154Ser). The alanine residue is moderately conserved and there is a moderate physicochemical difference between alanine and serine. This variant is not present in population databases (ExAC no frequency). This variant has not been reported in the literature in individuals with a B4GAT1-related disease. Algorithms developed to predict the effect of missense changes on protein structure and function (SIFT, PolyPhen-2, Align-GVGD) all suggest that this variant is likely to be tolerated, but these predictions have not been confirmed by published functional studies and their clinical significance is uncertain. In summary, this variant has uncertain impact on B4GAT1 function. The available evidence is currently insufficient to determine its role in disease. Therefore, it has been classified as a Variant of Uncertain Significance.